The following is an entry in ClinVar:

ClinVar aggregate classification (germline): Uncertain significance (1 of 4 stars; one submission).

Conditions:
Congenital myopathy with internal nuclei and atypical cores. Also called: Myopathy, centronuclear, 4. Identifiers: Orphanet 319160, MedGen C4707232, MONDO:0013890, OMIM 614807.

Allele frequency attached by ClinVar (database versions not stated): gnomAD exomes 0.00001 and 0.00003; TOPMed 0.00002.
gnomAD v4.1: 9 of 1,552,886 alleles (0.00058%); highest among the groups gnomAD compares: East Asian, 0.019%; no homozygotes.

Submission:

Labcorp Genetics (formerly Invitae), Labcorp
Classification: Uncertain significance for Congenital myopathy with internal nuclei and atypical cores. Last evaluated: 2025-09-09. Review status: criteria provided, single submitter. Criteria: Invitae Variant Classification Sherloc (09022015). Collection method: clinical testing. Allele origin: germline.
Comment: This sequence change replaces lysine, which is basic and polar, with asparagine, which is neutral and polar, at codon 55 of the CCDC78 protein (p.Lys55Asn). This variant is present in population databases (rs371931071, gnomAD 0.05%), and has an allele count higher than expected for a pathogenic variant. This variant has not been reported in the literature in individuals affected with CCDC78-related conditions. ClinVar contains an entry for this variant (Variation ID: 1351185). Invitae Evidence Modeling of protein sequence and biophysical properties (such as structural, functional, and spatial information, amino acid conservation, physicochemical variation, residue mobility, and thermodynamic stability) indicates that this missense variant is not expected to disrupt CCDC78 protein function with a negative predictive value of 80%. In summary, the available evidence is currently insufficient to determine the role of this variant in disease. Therefore, it has been classified as a Variant of Uncertain Significance.

NM_001378030.1(CCDC78):c.165G>T (p.Lys55Asn)

Gene: CCDC78 (coiled-coil domain containing 78; minus strand). Cytogenetic location: 16p13.3.
Variant type: single nucleotide variant.
Coding change: c.165G>T on transcript NM_001378030.1 (MANE Select); coding-DNA position 165, G replaced by T.
Protein change: p.Lys55Asn; replaces lysine 55 with asparagine.
Molecular consequence: missense variant. On other transcripts: 5 prime UTR variant (1), non-coding transcript variant (5).
Genome position (GRCh38, 1-based): chr16:725,981, C>A on the plus strand (G>T on the coding strand, the complement: CCDC78 is on the minus strand). VCF-style: chr16-725981-C-A. GRCh37 (hg19) VCF-style: chr16-775981-C-A.
Other names: c.165G>T, p.Lys55Asn (NM_001031737.3, NM_001378031.1); c.-121G>T (NM_001378033.1); short protein forms K55N.
Identifiers: ClinVar variation 1351185 (VCV001351185.6), dbSNP rs371931071, ClinGen allele CA7789740.